The following is an entry in ClinVar:

NM_001211.6(BUB1B):c.218A>G (p.Asp73Gly)

Gene: BUB1B (BUB1 mitotic checkpoint serine/threonine kinase B; plus strand). Cytogenetic location: 15q15.1.
Variant type: single nucleotide variant.
Coding change: c.218A>G on transcript NM_001211.6 (MANE Select); coding-DNA position 218, A replaced by G.
Protein change: p.Asp73Gly; replaces aspartic acid 73 with glycine.
Molecular consequence: missense variant.
Genome position (GRCh38, 1-based): chr15:40,170,100, A>G. VCF-style: chr15-40170100-A-G. GRCh37 (hg19) VCF-style: chr15-40462301-A-G.
Other names: c.218A>G (NM_001211.5); short protein forms D73G.
Identifiers: ClinVar variation 1365620 (VCV001365620.9), dbSNP rs2140881461, ClinGen allele CA391678475.
Genomic context (GRCh38, chr15:40,170,100, plus strand): 5'-ACTTTTTCTGTTTACATTTCAGGGCATTTGAATATGAAATTCGATTTTACACTGGAAATG[A>G]CCCTCTGGATGTTTGGGATAGGTGGGTCTTTTTATTTCACAAGGACAATAGAAACATTAA-3'
Protein context (NP_001202.5, residues 63-83): EYEIRFYTGN[Asp73Gly]PLDVWDRYIS

ClinVar aggregate classification (germline): Uncertain significance. Review status: criteria provided, multiple submitters, no conflicts (2 of 4 stars). 2 submissions from 2 submitters: Uncertain significance (2). Last evaluated 2024-01-05.

Conditions:
Inborn genetic diseases. Identifiers: MedGen C0950123, MeSH D030342.
Mosaic variegated aneuploidy syndrome 1 (MVA1). Also called: Warburton-Anyane-Yeboa syndrome. Identifiers: Orphanet 1052, MedGen C1850343, MONDO:0009759, OMIM 257300.

gnomAD v4.1: 1 of 1,613,936 alleles (0.000062%); no homozygotes.

Submissions (2):

Ambry Genetics
Classification: Uncertain significance for Inborn genetic diseases. Last evaluated: 2024-01-05. Review status: criteria provided, single submitter. Criteria: Ambry Variant Classification Scheme 2023. Collection method: clinical testing. Allele origin: germline.
Comment: The p.D73G variant (also known as c.218A>G), located in coding exon 3 of the BUB1B gene, results from an A to G substitution at nucleotide position 218. The aspartic acid at codon 73 is replaced by glycine, an amino acid with similar properties. This amino acid position is conserved. In addition, this alteration is predicted to be deleterious by in silico analysis. Since supporting evidence is limited at this time, the clinical significance of this alteration remains unclear.

Labcorp Genetics (formerly Invitae), Labcorp
Classification: Uncertain significance for Mosaic variegated aneuploidy syndrome 1. Last evaluated: 2021-07-07. Review status: criteria provided, single submitter. Criteria: Invitae Variant Classification Sherloc (09022015). Collection method: clinical testing. Allele origin: germline.
Comment: In summary, the available evidence is currently insufficient to determine the role of this variant in disease. Therefore, it has been classified as a Variant of Uncertain Significance. This sequence change replaces aspartic acid with glycine at codon 73 of the BUB1B protein (p.Asp73Gly). The aspartic acid residue is highly conserved and there is a moderate physicochemical difference between aspartic acid and glycine. This variant is not present in population databases (ExAC no frequency). This variant has not been reported in the literature in individuals affected with BUB1B-related conditions. Algorithms developed to predict the effect of missense changes on protein structure and function are either unavailable or do not agree on the potential impact of this missense change (SIFT: "Deleterious"; PolyPhen-2: "Probably Damaging"; Align-GVGD: "Class C0").